The following is an entry in ClinVar:

ClinVar aggregate classification (germline): Benign/Likely benign. Review status: criteria provided, multiple submitters, no conflicts (2 of 4 stars). 2 submissions from 2 submitters: Benign (1); Likely benign (1). Last evaluated 2025-06-13.

Conditions:
Hereditary cancer-predisposing syndrome. Also called: Hereditary Cancer Syndrome; Tumor predisposition; Neoplastic Syndromes, Hereditary; Hereditary neoplastic syndrome. Identifiers: Orphanet 140162, MedGen C0027672, MeSH D009386, MONDO:0015356.
Von Hippel-Lindau syndrome (VHLS). Also called: VHL syndrome; Von Hippel-Lindau; von Hippel–Lindau syndrome. Identifiers: Orphanet 892, MedGen C0019562, MONDO:0008667, OMIM 193300. Disease mechanism: loss of function.

Submissions (2):

Myriad Genetics, Inc.
Classification: Benign for Von Hippel-Lindau syndrome. Last evaluated: 2025-06-13. Review status: criteria provided, single submitter. Criteria: Myriad Autosomal Dominant, Autosomal Recessive and X-Linked Classification Criteria (2023). Collection method: clinical testing. Allele origin: unknown.
Comment: This variant is considered benign. This variant is a silent/synonymous amino acid change and it is not expected to impact splicing.

Ambry Genetics
Classification: Likely benign for Hereditary cancer-predisposing syndrome. Last evaluated: 2023-11-19. Review status: criteria provided, single submitter. Criteria: Ambry Variant Classification Scheme 2023. Collection method: clinical testing. Allele origin: germline.

NM_000551.4(VHL):c.543C>G (p.Val181=)

Genes: VHL (von Hippel-Lindau tumor suppressor; plus strand), LOC107303340 (3p25 von Hippel-Lindau tumor suppressor, E3 ubiquitin protein ligase Alu-mediated recombination region; plus strand). Cytogenetic location: 3p25.3.
Variant type: single nucleotide variant.
Coding change: c.543C>G on transcript NM_000551.4 (MANE Select); coding-DNA position 543, C replaced by G.
Protein change: p.Val181=; no amino-acid change (valine 181 retained).
Molecular consequence: synonymous variant. On other transcripts: 3 prime UTR variant (1), non-coding transcript variant (1).
Genome position (GRCh38, 1-based): chr3:10,149,866, C>G. VCF-style: chr3-10149866-C-G. GRCh37 (hg19) VCF-style: chr3-10191550-C-G.
Other names: c.*97C>G (NM_001354723.2); c.420C>G, p.Val140= (NM_198156.3).
Identifiers: ClinVar variation 3232225 (VCV003232225.2), dbSNP rs2125130650, ClinGen allele CA432423557.